The following is an entry in ClinVar:

ClinVar aggregate classification (germline): Pathogenic (1 of 4 stars; one submission).

Conditions:
Primary ciliary dyskinesia. Also called: Ciliary dyskinesia. Identifiers: Orphanet 244, MedGen C0008780, MONDO:0016575, HP:0012265.

Submission:

Labcorp Genetics (formerly Invitae), Labcorp
Classification: Pathogenic for Primary ciliary dyskinesia. Last evaluated: 2020-11-26. Review status: criteria provided, single submitter. Criteria: Invitae Variant Classification Sherloc (09022015). Collection method: clinical testing. Allele origin: germline.
Comment: For these reasons, this variant has been classified as Pathogenic. This variant has not been reported in the literature in individuals with DNAH5-related conditions. This variant is not present in population databases (ExAC no frequency). This sequence change creates a premature translational stop signal (p.Thr2527Alafs*36) in the DNAH5 gene. It is expected to result in an absent or disrupted protein product. Loss-of-function variants in DNAH5 are known to be pathogenic (PMID: 11788826, 16627867).

Literature cited by the submitters: PubMed 11788826; PubMed 16627867.

NM_001369.3(DNAH5):c.7554_7578dup (p.Thr2527fs)

Gene: DNAH5 (dynein axonemal heavy chain 5; minus strand). Cytogenetic location: 5p15.2.
Variant type: Duplication.
Coding change: c.7554_7578dup on transcript NM_001369.3 (MANE Select); coding-DNA positions 7554 to 7578, 25 bases duplicated (GCCGCCGCCAGCGGGGCCCGGGGAC).
Protein change: p.Thr2527fs; shifts the reading frame from threonine 2527.
Molecular consequence: frameshift variant.
Genome position (GRCh38, 1-based): chr5:13,810,090-13,810,114, GTCCCCGGGCCCCGCTGGCGGCGGC duplicated on the plus strand (GCCGCCGCCAGCGGGGCCCGGGGAC on the coding strand, the reverse complement: DNAH5 is on the minus strand). VCF-style (leftmost placement, unchanged base first): chr5-13810089-T-TGTCCCCGGGCCCCGCTGGCGGCGGC. GRCh37 (hg19) VCF-style: chr5-13810198-T-TGTCCCCGGGCCCCGCTGGCGGCGGC.
Other names: short protein forms T2527fs.
Identifiers: ClinVar variation 1420025 (VCV001420025.6), dbSNP rs2127013208, ClinGen allele CA2573138457.